The following is an entry in ClinVar:

ClinVar aggregate classification (germline): Likely benign (1 of 4 stars; one submission).

Allele frequency attached by ClinVar (database versions not stated): 1000 Genomes Project 30x 0.00016; 1000 Genomes Project 0.00020; gnomAD exomes 0.00022; gnomAD 0.00025; ExAC 0.00026; TOPMed 0.00026; ESP Exome Variant Server 0.00023.

Submission:

CeGaT Center for Human Genetics Tuebingen
Classification: Likely benign. Last evaluated: 2023-04-01. Review status: criteria provided, single submitter. Criteria: CeGaT Center For Human Genetics Tuebingen Variant Classification Criteria Version 2. Collection method: clinical testing. Allele origin: germline. Affected: yes. Observed: 1 variant allele.
Comment: JMJD7-PLA2G4B: BP4, BP7; PLA2G4B: BP4, BP7

NM_001114633.2(PLA2G4B):c.414C>T (p.Leu138=)

Genes: JMJD7-PLA2G4B (JMJD7-PLA2G4B readthrough; plus strand), PLA2G4B (phospholipase A2 group IVB; plus strand). Cytogenetic location: 15q15.1.
Variant type: single nucleotide variant.
Coding change: c.414C>T on transcript NM_001114633.2 (MANE Select); coding-DNA position 414, C replaced by T.
Protein change: p.Leu138=; no amino-acid change (leucine 138 retained).
Molecular consequence: synonymous variant.
Genome position (GRCh38, 1-based): chr15:41,841,252, C>T. VCF-style: chr15-41841252-C-T. GRCh37 (hg19) VCF-style: chr15-42133450-C-T.
Other names: c.1107C>T, p.Leu369= (NM_001198588.2, NM_005090.4).
Identifiers: ClinVar variation 2645198 (VCV002645198.24), dbSNP rs144317980, ClinGen allele CA7499603.